The following is an entry in ClinVar:

NM_001165963.4(SCN1A):c.4002+2510C>T

Genes: SCN1A (sodium voltage-gated channel alpha subunit 1; minus strand), LOC102724058 (uncharacterized LOC102724058; plus strand). Cytogenetic location: 2q24.3.
Variant type: single nucleotide variant.
Coding change: c.4002+2510C>T on transcript NM_001165963.4 (MANE Select); 2510 bases into the intron after coding-DNA position 4002, C replaced by T.
Molecular consequence: intron variant.
Genome position (GRCh38, 1-based): chr2:166,007,209, G>A on the plus strand (C>T on the coding strand, the complement: SCN1A is on the minus strand). VCF-style: chr2-166007209-G-A. GRCh37 (hg19) VCF-style: chr2-166863719-G-A.
Other names: c.3969+2510C>T (NM_001353949.2, NM_001353950.2, NM_001353951.2 and 2 more transcripts); c.3918+2510C>T (NM_001353958.2, NM_001353957.2, NM_001165964.3); c.4002+2510C>T (NM_001202435.3, NM_001353948.2); c.3966+2510C>T (NM_001353955.2, NM_001353954.2); c.3915+2510C>T (NM_001353960.2); c.1560+2510C>T (NM_001353961.2).
Identifiers: ClinVar variation 1540757 (VCV001540757.9), dbSNP rs1574028087, ClinGen allele CA1038836012.

ClinVar aggregate classification (germline): Uncertain significance (1 of 4 stars; one submission).

Conditions:
Early-infantile DEE. Also called: Ohtahara syndrome; Early infantile epileptic encephalopathy with suppression bursts; Early infantile epileptic encephalopathy. Identifiers: Orphanet 1934, MedGen C0393706, MONDO:0800491.

Allele frequency attached by ClinVar (database versions not stated): TOPMed below 0.00001; gnomAD 0.00001.

Submission:

Labcorp Genetics (formerly Invitae), Labcorp
Classification: Uncertain significance for Early-infantile DEE. Last evaluated: 2024-10-23. Review status: criteria provided, single submitter. Criteria: Invitae Variant Classification Sherloc (09022015). Collection method: clinical testing. Allele origin: germline.
Comment: This sequence change falls in intron 20 of the SCN1A gene. It does not directly change the encoded amino acid sequence of the SCN1A protein. However, this sequence change falls within a region encompassing a cryptic exon in the SCN1A gene, in which variants have been shown to alter splicing (PMID: 30526861, 34107977). This variant is not present in population databases (gnomAD no frequency). This variant has been observed in individual(s) with clinical features of developmental and epileptic encephalopathy (internal data). ClinVar contains an entry for this variant (Variation ID: 1540757). Algorithms developed to predict the effect of sequence changes on RNA splicing suggest that this variant is not likely to affect RNA splicing. In summary, the available evidence is currently insufficient to determine the role of this variant in disease. Therefore, it has been classified as a Variant of Uncertain Significance.

Literature cited by the submitters: PubMed 30526861; PubMed 34107977.